The following is an entry in ClinVar:

NM_000384.3(APOB):c.4687T>C (p.Tyr1563His)

Gene: APOB (apolipoprotein B; minus strand). Cytogenetic location: 2p24.1.
Variant type: single nucleotide variant.
Coding change: c.4687T>C on transcript NM_000384.3 (MANE Select); coding-DNA position 4687, T replaced by C.
Protein change: p.Tyr1563His; replaces tyrosine 1563 with histidine.
Molecular consequence: missense variant.
Genome position (GRCh38, 1-based): chr2:21,012,181, A>G on the plus strand (T>C on the coding strand, the complement: APOB is on the minus strand). VCF-style: chr2-21012181-A-G. GRCh37 (hg19) VCF-style: chr2-21235053-A-G.
Other names: short protein forms Y1563H.
Identifiers: ClinVar variation 2586194 (VCV002586194.3), dbSNP rs2465377748, ClinGen allele CA346006353.

ClinVar aggregate classification (germline): Uncertain significance. Review status: criteria provided, multiple submitters, no conflicts (2 of 4 stars). 2 submissions from 2 submitters: Uncertain significance (2). Last evaluated 2026-03-31.

Conditions:
Cardiovascular phenotype. Identifiers: MedGen CN230736.

Submissions (2):

GeneDx
Classification: Uncertain significance. Last evaluated: 2026-03-31. Review status: criteria provided, single submitter. Criteria: GeneDx Variant Classification Process June 2021. Collection method: clinical testing. Allele origin: germline.
Comment: Not observed at significant frequency in large population cohorts (gnomAD); In silico analysis supports that this missense variant has a deleterious effect on protein structure/function; Has not been previously published as pathogenic or benign to our knowledge; Also known as p.(Y1536H)

Ambry Genetics
Classification: Uncertain significance for Cardiovascular phenotype. Last evaluated: 2023-09-11. Review status: criteria provided, single submitter. Criteria: Ambry Variant Classification Scheme 2023. Collection method: clinical testing. Allele origin: germline.
Comment: The p.Y1563H variant (also known as c.4687T>C), located in coding exon 26 of the APOB gene, results from a T to C substitution at nucleotide position 4687. The tyrosine at codon 1563 is replaced by histidine, an amino acid with similar properties. This amino acid position is well conserved in available vertebrate species. In addition, this alteration is predicted to be tolerated by in silico analysis. Since supporting evidence is limited at this time, the clinical significance of this alteration remains unclear.